The following is an entry in ClinVar:

ClinVar aggregate classification (germline): Uncertain significance. Review status: criteria provided, multiple submitters, no conflicts (2 of 4 stars). 2 submissions from 2 submitters: Uncertain significance (2). Last evaluated 2024-11-11.

Conditions:
Inborn genetic diseases. Identifiers: MedGen C0950123, MeSH D030342.
MHC class I deficiency. Identifiers: Orphanet 34592, MedGen C6024714, MONDO:0011476.

Allele frequency attached by ClinVar (database versions not stated): ExAC 0.00001; gnomAD exomes 0.00006 and 0.00002; gnomAD 0.00001; TOPMed 0.00001; ESP Exome Variant Server 0.00012.
gnomAD v4.1: 79 of 1,608,430 alleles (0.0049%); highest among the groups gnomAD compares: Non-Finnish European, 0.0067%; no homozygotes.

Submissions (2):

Ambry Genetics
Classification: Uncertain significance for Inborn genetic diseases. Last evaluated: 2024-11-11. Review status: criteria provided, single submitter. Criteria: Ambry Variant Classification Scheme 2023. Collection method: clinical testing. Allele origin: germline.

Labcorp Genetics (formerly Invitae), Labcorp
Classification: Uncertain significance for MHC class I deficiency 1. Last evaluated: 2024-02-24. Review status: criteria provided, single submitter. Criteria: Invitae Variant Classification Sherloc (09022015). Collection method: clinical testing. Allele origin: germline.
Comment: This sequence change replaces glycine, which is neutral and non-polar, with arginine, which is basic and polar, at codon 34 of the TAP2 protein (p.Gly34Arg). The frequency data for this variant in the population databases is considered unreliable, as metrics indicate poor data quality at this position in the gnomAD database. This variant has not been reported in the literature in individuals affected with TAP2-related conditions. ClinVar contains an entry for this variant (Variation ID: 643299). Experimental studies and prediction algorithms are not available or were not evaluated, and the functional significance of this variant is currently unknown. In summary, the available evidence is currently insufficient to determine the role of this variant in disease. Therefore, it has been classified as a Variant of Uncertain Significance.

NM_001290043.2(TAP2):c.100G>A (p.Gly34Arg)

Gene: TAP2 (transporter 2, ATP binding cassette subfamily B member; minus strand). Cytogenetic location: 6p21.32.
Variant type: single nucleotide variant.
Coding change: c.100G>A on transcript NM_001290043.2 (MANE Select); coding-DNA position 100, G replaced by A.
Protein change: p.Gly34Arg; replaces glycine 34 with arginine.
Molecular consequence: missense variant.
Genome position (GRCh38, 1-based): chr6:32,838,134, C>T on the plus strand (G>A on the coding strand, the complement: TAP2 is on the minus strand). VCF-style: chr6-32838134-C-T. GRCh37 (hg19) VCF-style: chr6-32805911-C-T.
Other names: c.100G>A, p.Gly34Arg (NM_000544.3, NM_018833.3); short protein forms G34R.
Identifiers: ClinVar variation 643299 (VCV000643299.8), dbSNP rs145218757, ClinGen allele CA3746226.